The following is an entry in ClinVar:

ClinVar aggregate classification (germline): Uncertain significance (1 of 4 stars; one submission).

Conditions:
Developmental and epileptic encephalopathy, 27 (DEE27). Also called: GRIN2B-Related Neurodevelopmental Disorder; Epileptic encephalopathy, early infantile, 27. Identifiers: Orphanet 3451, MedGen C4015316, MONDO:0014505, OMIM 616139.

Submission:

Baylor Genetics
Classification: Uncertain significance for Developmental and epileptic encephalopathy, 27. Last evaluated: 2017-09-01. Review status: criteria provided, single submitter. Criteria: ACMG Guidelines, 2015. Collection method: clinical testing. Allele origin: de novo. Inheritance: Autosomal dominant inheritance. Affected: yes.

Literature cited by the submitters: PubMed 25326635.

NM_000834.5(GRIN2B):c.2273_2281del (p.Ala758_Thr760del)

Gene: GRIN2B (glutamate ionotropic receptor NMDA type subunit 2B; minus strand). Cytogenetic location: 12p13.1.
Variant type: Deletion.
Coding change: c.2273_2281del on transcript NM_000834.5 (MANE Select); coding-DNA positions 2273 to 2281, 9 bases deleted (CTTCCACTG; older notation c.2273_2281delCTTCCACTG).
Protein change: p.Ala758_Thr760del.
Molecular consequence: inframe deletion.
Genome position (GRCh38, 1-based): chr12:13,569,908-13,569,916, CAGTGGAAG deleted on the plus strand (CTTCCACTG on the coding strand, the reverse complement: GRIN2B is on the minus strand); deleting any 9 consecutive bases within chr12:13,569,908-13,569,918 gives the same sequence; the c. name uses the placement nearest the transcript's 3' end. VCF-style (leftmost placement, unchanged base first): chr12-13569907-CCAGTGGAAG-C. GRCh37 (hg19) VCF-style: chr12-13722841-CCAGTGGAAG-C.
Identifiers: ClinVar variation 561026 (VCV000561026.2), dbSNP rs1565457062, ClinGen allele CA658821172.